The following is an entry in ClinVar:

ClinVar aggregate classification (germline): Likely pathogenic (1 of 4 stars; one submission).

Allele frequency attached by ClinVar (database versions not stated): TOPMed below 0.00001.

Submission:

Labcorp Genetics (formerly Invitae), Labcorp
Classification: Likely pathogenic. Last evaluated: 2023-05-19. Review status: criteria provided, single submitter. Criteria: Invitae Variant Classification Sherloc (09022015). Collection method: clinical testing. Allele origin: germline.
Comment: Advanced modeling of protein sequence and biophysical properties (such as structural, functional, and spatial information, amino acid conservation, physicochemical variation, residue mobility, and thermodynamic stability) performed at Invitae indicates that this missense variant is expected to disrupt ABCC6 protein function. In summary, the currently available evidence indicates that the variant is pathogenic, but additional data are needed to prove that conclusively. Therefore, this variant has been classified as Likely Pathogenic. This variant is not present in population databases (gnomAD no frequency). This sequence change replaces serine, which is neutral and polar, with proline, which is neutral and non-polar, at codon 1117 of the ABCC6 protein (p.Ser1117Pro). This missense change has been observed in individual(s) with pseudoxanthoma elasticum (Invitae). In at least one individual the data is consistent with being in trans (on the opposite chromosome) from a pathogenic variant.

NM_001171.6(ABCC6):c.3349T>C (p.Ser1117Pro)

Gene: ABCC6 (ATP binding cassette subfamily C member 6; minus strand). Cytogenetic location: 16p13.11.
Variant type: single nucleotide variant.
Coding change: c.3349T>C on transcript NM_001171.6 (MANE Select); coding-DNA position 3349, T replaced by C.
Protein change: p.Ser1117Pro; replaces serine 1117 with proline.
Molecular consequence: missense variant.
Genome position (GRCh38, 1-based): chr16:16,163,150, A>G on the plus strand (T>C on the coding strand, the complement: ABCC6 is on the minus strand). VCF-style: chr16-16163150-A-G. GRCh37 (hg19) VCF-style: chr16-16257007-A-G.
Other names: c.3007T>C, p.Ser1003Pro (NM_001351800.1); short protein forms S1003P, S1117P.
Identifiers: ClinVar variation 2865974 (VCV002865974.3), dbSNP rs2046778426, ClinGen allele CA394881623.